The following is an entry in ClinVar:

ClinVar aggregate classification (germline): Uncertain significance (1 of 4 stars; one submission).

Conditions:
Neuropathy, hereditary sensory, type 2C. Also called: KIF1A-Related HSAN2 (HSAN2C); Hereditary sensory and autonomic neuropathy type IIC. Identifiers: Orphanet 970, MedGen C3280168, MONDO:0013634, OMIM 614213.
Hereditary spastic paraplegia 30. Identifiers: Orphanet 101010, MedGen C5235139, MONDO:0012476.
Intellectual disability, autosomal dominant 9 (NESCAVS). Also called: NESCAV SYNDROME; KIF1A-Related Neurodevelopmental Disorder. Identifiers: Orphanet 662367, MedGen C5393830, MONDO:0013656, OMIM 614255.

Submission:

Labcorp Genetics (formerly Invitae), Labcorp
Classification: Uncertain significance for Hereditary spastic paraplegia 30; Neuropathy, hereditary sensory, type 2C; Intellectual disability, autosomal dominant 9. Last evaluated: 2023-04-15. Review status: criteria provided, single submitter. Criteria: Invitae Variant Classification Sherloc (09022015). Collection method: clinical testing. Allele origin: germline.
Comment: This variant is not present in population databases (gnomAD no frequency). This variant has not been reported in the literature in individuals affected with KIF1A-related conditions. This sequence change replaces asparagine, which is neutral and polar, with lysine, which is basic and polar, at codon 832 of the KIF1A protein (p.Asn832Lys). In summary, the available evidence is currently insufficient to determine the role of this variant in disease. Therefore, it has been classified as a Variant of Uncertain Significance. Algorithms developed to predict the effect of sequence changes on RNA splicing suggest that this variant may create or strengthen a splice site. Advanced modeling of protein sequence and biophysical properties (such as structural, functional, and spatial information, amino acid conservation, physicochemical variation, residue mobility, and thermodynamic stability) has been performed at Invitae for this missense variant, however the output from this modeling did not meet the statistical confidence thresholds required to predict the impact of this variant on KIF1A protein function.

NM_001244008.2(KIF1A):c.2523C>G (p.Asn841Lys)

Gene: KIF1A (kinesin family member 1A; minus strand). Cytogenetic location: 2q37.3.
Variant type: single nucleotide variant.
Coding change: c.2523C>G on transcript NM_001244008.2 (MANE Select); coding-DNA position 2523, C replaced by G.
Protein change: p.Asn841Lys; replaces asparagine 841 with lysine.
Molecular consequence: missense variant.
Genome position (GRCh38, 1-based): chr2:240,758,419, G>C on the plus strand (C>G on the coding strand, the complement: KIF1A is on the minus strand). VCF-style: chr2-240758419-G-C. GRCh37 (hg19) VCF-style: chr2-241697836-G-C.
Other names: c.2523C>G, p.Asn841Lys (NM_001320705.2, NM_001330289.2, NM_001379638.1); c.2598C>G, p.Asn866Lys (NM_001330290.2, NM_001379631.1, NM_001379634.1 and 2 more transcripts); c.2496C>G, p.Asn832Lys (NM_001379632.1, NM_001379633.1, NM_001379636.1 and 11 more transcripts); c.2571C>G, p.Asn857Lys (NM_001379637.1, NM_001379648.1); short protein forms N832K, N857K, N866K, N841K.
Identifiers: ClinVar variation 2940776 (VCV002940776.3), dbSNP rs542220900, ClinGen allele CA351323678.